The following is an entry in ClinVar:

ClinVar aggregate classification (germline): Uncertain significance. Review status: criteria provided, multiple submitters, no conflicts (2 of 4 stars). 2 submissions from 2 submitters: Uncertain significance (2). Last evaluated 2025-07-28.

gnomAD v4.1: 202 of 1,613,778 alleles (0.013%); highest among the groups gnomAD compares: Non-Finnish European, 0.017%; no homozygotes.

Submissions (2):

Labcorp Genetics (formerly Invitae), Labcorp
Classification: Uncertain significance. Last evaluated: 2025-07-28. Review status: criteria provided, single submitter. Criteria: Invitae Variant Classification Sherloc (09022015). Collection method: clinical testing. Allele origin: germline.
Comment: This sequence change replaces isoleucine, which is neutral and non-polar, with threonine, which is neutral and polar, at codon 100 of the MRPL3 protein (p.Ile100Thr). This variant is present in population databases (rs774197035, gnomAD 0.02%). This variant has not been reported in the literature in individuals affected with MRPL3-related conditions. ClinVar contains an entry for this variant (Variation ID: 3913202). Invitae Evidence Modeling of protein sequence and biophysical properties (such as structural, functional, and spatial information, amino acid conservation, physicochemical variation, residue mobility, and thermodynamic stability) indicates that this missense variant is expected to disrupt MRPL3 protein function with a positive predictive value of 80%. In summary, the available evidence is currently insufficient to determine the role of this variant in disease. Therefore, it has been classified as a Variant of Uncertain Significance.

Ambry Genetics
Classification: Uncertain significance. Last evaluated: 2025-05-20. Review status: criteria provided, single submitter. Criteria: Ambry Variant Classification Scheme 2023. Collection method: clinical testing. Allele origin: germline.

NM_007208.4(MRPL3):c.299T>C (p.Ile100Thr)

Gene: MRPL3 (mitochondrial ribosomal protein L3; minus strand). Cytogenetic location: 3q22.1.
Variant type: single nucleotide variant.
Coding change: c.299T>C on transcript NM_007208.4 (MANE Select); coding-DNA position 299, T replaced by C.
Protein change: p.Ile100Thr; replaces isoleucine 100 with threonine.
Molecular consequence: missense variant.
Genome position (GRCh38, 1-based): chr3:131,500,500, A>G on the plus strand (T>C on the coding strand, the complement: MRPL3 is on the minus strand). VCF-style: chr3-131500500-A-G. GRCh37 (hg19) VCF-style: chr3-131219344-A-G.
Other names: short protein forms I100T.
Identifiers: ClinVar variation 3913202 (VCV003913202.2).